The following is an entry in ClinVar:

NM_004973.4(JARID2):c.1674C>T (p.Pro558=)

Gene: JARID2 (jumonji and AT-rich interaction domain containing 2; plus strand). Cytogenetic location: 6p22.3.
Variant type: single nucleotide variant.
Coding change: c.1674C>T on transcript NM_004973.4 (MANE Select); coding-DNA position 1674, C replaced by T.
Protein change: p.Pro558=; no amino-acid change (proline 558 retained).
Molecular consequence: synonymous variant.
Genome position (GRCh38, 1-based): chr6:15,496,899, C>T. VCF-style: chr6-15496899-C-T. GRCh37 (hg19) VCF-style: chr6-15497130-C-T.
Other names: c.1158C>T, p.Pro386= (NM_001267040.1).
Identifiers: ClinVar variation 3041087 (VCV003041087.2), dbSNP rs376937633, ClinGen allele CA3642973.
Genomic context (GRCh38, chr6:15,496,899, plus strand): 5'-CTCGGGCAAGGCCGAGAAGGGCGGCGGCAAGGCCGGGTGGGCGGCCATGGACGAGATCCC[C>T]GTCCTCAGGCCCTCCGCCAAGGAGTTCCACGATCCGCTCATCTACATCGAGTCGGTCCGC-3'
Protein context (NP_004964.2, residues 548-568): KAGWAAMDEI[Pro558=]VLRPSAKEFH

ClinVar aggregate classification (germline): Likely benign (0 of 4 stars; one submission).

Conditions:
JARID2-related disorder. Also called: JARID2-related condition.

Allele frequency attached by ClinVar (database versions not stated): gnomAD 0.00017; TOPMed 0.00017; ESP Exome Variant Server 0.00015; gnomAD exomes 0.00015; ExAC 0.00017.
gnomAD v4.1: 240 of 1,601,066 alleles (0.015%); highest among the groups gnomAD compares: African/African-American, 0.041%; 1 homozygote.

Submission:

PreventionGenetics, part of Exact Sciences
Classification: Likely benign for JARID2-related condition. Last evaluated: 2019-09-19. Review status: no assertion criteria provided. Collection method: clinical testing. Allele origin: germline.
Comment: This variant is classified as likely benign based on ACMG/AMP sequence variant interpretation guidelines (Richards et al. 2015 PMID: 25741868, with internal and published modifications).